The following is an entry in ClinVar:

ClinVar aggregate classification (germline): Uncertain significance (1 of 4 stars; one submission).

Conditions:
Hereditary cancer-predisposing syndrome. Also called: Tumor predisposition; Hereditary Cancer Syndrome; Hereditary neoplastic syndrome; Neoplastic Syndromes, Hereditary. Identifiers: Orphanet 140162, MedGen C0027672, MeSH D009386, MONDO:0015356.

Submission:

Ambry Genetics
Classification: Uncertain significance for Hereditary cancer-predisposing syndrome. Last evaluated: 2024-04-10. Review status: criteria provided, single submitter. Criteria: Ambry Variant Classification Scheme 2023. Collection method: clinical testing. Allele origin: germline.
Comment: The p.Q1922H variant (also known as c.5766G>T), located in coding exon 15 of the APC gene, results from a G to T substitution at nucleotide position 5766. The glutamine at codon 1922 is replaced by histidine, an amino acid with highly similar properties. This amino acid position is highly conserved in available vertebrate species. In addition, in silico predictors for this gene do not accurately predict pathogenicity. Based on the available evidence, the clinical significance of this variant remains unclear.

NM_000038.6(APC):c.5766G>T (p.Gln1922His)

Gene: APC (APC regulator of Wnt signaling pathway; plus strand). Cytogenetic location: 5q22.2.
Variant type: single nucleotide variant.
Coding change: c.5766G>T on transcript NM_000038.6 (MANE Select); coding-DNA position 5766, G replaced by T.
Protein change: p.Gln1922His; replaces glutamine 1922 with histidine.
Molecular consequence: missense variant. On other transcripts: non-coding transcript variant (2).
Genome position (GRCh38, 1-based): chr5:112,841,360, G>T. VCF-style: chr5-112841360-G-T. GRCh37 (hg19) VCF-style: chr5-112177057-G-T.
Other names: c.5766G>T, p.Gln1922His (NM_001127510.3, NM_001354895.2, NM_001407450.1); c.5712G>T, p.Gln1904His (NM_001127511.3); c.5820G>T, p.Gln1940His (NM_001354896.2, NM_001407447.1, NM_001407448.1 and 1 more transcripts); c.5796G>T, p.Gln1932His (NM_001354897.2); c.5691G>T, p.Gln1897His (NM_001354898.2); c.5682G>T, p.Gln1894His (NM_001354899.2); c.5643G>T, p.Gln1881His (NM_001354900.2); c.5589G>T, p.Gln1863His (NM_001354901.2, NM_001407453.1); and 11 more; short protein forms Q1639H, Q1762H, Q1839H, Q1912H, Q1915H, Q1940H, Q1796H, Q1881H.
Identifiers: ClinVar variation 3304294 (VCV003304294.1).